The following is an entry in ClinVar:

ClinVar aggregate classification (germline): Uncertain significance (1 of 4 stars; one submission).

gnomAD v4.1: 2 of 1,551,550 alleles (0.00013%); highest among the groups gnomAD compares: Non-Finnish European, 0.00017%; no homozygotes.

Submission:

GeneDx
Classification: Uncertain significance. Last evaluated: 2024-05-05. Review status: criteria provided, single submitter. Criteria: GeneDx Variant Classification Process June 2021. Collection method: clinical testing. Allele origin: germline. Affected: yes.
Comment: Not observed at significant frequency in large population cohorts (gnomAD); In silico analysis indicates that this missense variant does not alter protein structure/function; Has not been previously published as pathogenic or benign to our knowledge

NM_016938.5(EFEMP2):c.17C>T (p.Ser6Phe)

Gene: EFEMP2 (EGF containing fibulin extracellular matrix protein 2; minus strand). Cytogenetic location: 11q13.1.
Variant type: single nucleotide variant.
Coding change: c.17C>T on transcript NM_016938.5 (MANE Select); coding-DNA position 17, C replaced by T.
Protein change: p.Ser6Phe; replaces serine 6 with phenylalanine.
Molecular consequence: missense variant. On other transcripts: non-coding transcript variant (1).
Genome position (GRCh38, 1-based): chr11:65,872,338, G>A on the plus strand (C>T on the coding strand, the complement: EFEMP2 is on the minus strand). VCF-style: chr11-65872338-G-A. GRCh37 (hg19) VCF-style: chr11-65639809-G-A.
Other names: short protein forms S6F.
Identifiers: ClinVar variation 3375779 (VCV003375779.1).